The following is an entry in ClinVar:

ClinVar aggregate classification (germline): Uncertain significance (1 of 4 stars; one submission).

Conditions:
Hereditary breast ovarian cancer syndrome. Also called: Hereditary breast and ovarian cancer syndrome; Hereditary breast and ovarian cancer syndrome (HBOC); BRCA1- and BRCA2-Associated Hereditary Breast and Ovarian Cancer; Hereditary breast and ovarian cancer; Breast and ovarian cancer; Hereditary breast and/or ovarian cancer syndrome. Identifiers: Orphanet 145, MedGen C0677776, MeSH D061325, MONDO:0003582. Disease mechanism: loss of function.

Submission:

Labcorp Genetics (formerly Invitae), Labcorp
Classification: Uncertain significance for Hereditary breast ovarian cancer syndrome. Last evaluated: 2024-08-20. Review status: criteria provided, single submitter. Criteria: Invitae Variant Classification Sherloc (09022015). Collection method: clinical testing. Allele origin: germline.
Comment: This sequence change replaces valine, which is neutral and non-polar, with leucine, which is neutral and non-polar, at codon 788 of the BRCA1 protein (p.Val788Leu). This variant is not present in population databases (gnomAD no frequency). This variant has not been reported in the literature in individuals affected with BRCA1-related conditions. Invitae Evidence Modeling of protein sequence and biophysical properties (such as structural, functional, and spatial information, amino acid conservation, physicochemical variation, residue mobility, and thermodynamic stability) indicates that this missense variant is not expected to disrupt BRCA1 protein function with a negative predictive value of 95%. In summary, the available evidence is currently insufficient to determine the role of this variant in disease. Therefore, it has been classified as a Variant of Uncertain Significance.

NM_007294.4(BRCA1):c.2362G>C (p.Val788Leu)

Gene: BRCA1 (BRCA1 DNA repair associated; minus strand). Cytogenetic location: 17q21.31.
Variant type: single nucleotide variant.
Coding change: c.2362G>C on transcript NM_007294.4 (MANE Select); coding-DNA position 2362, G replaced by C.
Protein change: p.Val788Leu; replaces valine 788 with leucine.
Molecular consequence: missense variant. On other transcripts: intron variant (137).
Genome position (GRCh38, 1-based): chr17:43,093,169, C>G on the plus strand (G>C on the coding strand, the complement: BRCA1 is on the minus strand). VCF-style: chr17-43093169-C-G. GRCh37 (hg19) VCF-style: chr17-41245186-C-G.
Other names: c.643+1575G>C (NM_001408465.1, NM_001408463.1, NM_001408462.1 and 3 more transcripts); c.520+1575G>C (NM_001408504.1, NM_001408503.1, NM_001408505.1); c.577+1575G>C (NM_001408482.1, NM_001408484.1, NM_001408478.1 and 9 more transcripts); c.523+1575G>C (NM_001408499.1, NM_001408498.1, NM_001408501.1 and 3 more transcripts); c.671-2137G>C (NM_001408422.1, NM_001408418.1, NM_001408423.1 and 2 more transcripts); c.661+1575G>C (NM_001408450.1, NM_001408434.1, NM_001408446.1 and 6 more transcripts); c.706+1575G>C (NM_001408416.1, NM_001408413.1); c.784+1575G>C (NM_001408398.1, NM_001407992.1, NM_001408397.1 and 13 more transcripts); and 41 more; short protein forms V492L, V660L, V661L, V741L, V746L, V747L, V762L, V788L.
Identifiers: ClinVar variation 3634670 (VCV003634670.2).